The following is an entry in ClinVar:

NM_000642.3(AGL):c.1211T>C (p.Val404Ala)

Gene: AGL (amylo-alpha-1,6-glucosidase and 4-alpha-glucanotransferase; plus strand). Cytogenetic location: 1p21.2.
Variant type: single nucleotide variant.
Coding change: c.1211T>C on transcript NM_000642.3 (MANE Select); coding-DNA position 1211, T replaced by C.
Protein change: p.Val404Ala; replaces valine 404 with alanine.
Molecular consequence: missense variant.
Genome position (GRCh38, 1-based): chr1:99,875,383, T>C. VCF-style: chr1-99875383-T-C. GRCh37 (hg19) VCF-style: chr1-100340939-T-C.
Other names: c.1211T>C, p.Val404Ala (NM_000028.3, NM_000643.3, NM_000644.3 and 2 more transcripts); c.1163T>C, p.Val388Ala (NM_000646.3); c.1007T>C, p.Val336Ala (NM_001425328.1, NM_001425329.1); c.833T>C, p.Val278Ala (NM_001425332.1); short protein forms V388A, V404A, V278A, V336A.
Identifiers: ClinVar variation 2147221 (VCV002147221.1), dbSNP rs760187901, ClinGen allele CA966429.

ClinVar aggregate classification (germline): Uncertain significance (1 of 4 stars; one submission).

Conditions:
Glycogen storage disease type III (GSD3). Also called: Cori disease; FORBES DISEASE. Identifiers: Orphanet 366, MedGen C0017922, MONDO:0009291, OMIM 232400.

Allele frequency attached by ClinVar (database versions not stated): gnomAD exomes below 0.00001; ExAC 0.00001; gnomAD 0.00001.
gnomAD v4.1: 3 of 1,614,092 alleles (0.00019%); highest among the groups gnomAD compares: Non-Finnish European, 0.00025%; no homozygotes.

Submission:

Labcorp Genetics (formerly Invitae), Labcorp
Classification: Uncertain significance for Glycogen storage disease type III. Last evaluated: 2021-09-01. Review status: criteria provided, single submitter. Criteria: Invitae Variant Classification Sherloc (09022015). Collection method: clinical testing. Allele origin: germline.
Comment: This sequence change replaces valine with alanine at codon 404 of the AGL protein (p.Val404Ala). The valine residue is moderately conserved and there is a small physicochemical difference between valine and alanine. This variant is present in population databases (rs760187901, ExAC 0.002%). This variant has not been reported in the literature in individuals affected with AGL-related conditions. Algorithms developed to predict the effect of missense changes on protein structure and function are either unavailable or do not agree on the potential impact of this missense change (SIFT: "Deleterious"; PolyPhen-2: "Benign"; Align-GVGD: "Class C0"). In summary, the available evidence is currently insufficient to determine the role of this variant in disease. Therefore, it has been classified as a Variant of Uncertain Significance.